The following is an entry in ClinVar:

NM_201384.3(PLEC):c.3443C>T (p.Ala1148Val)

Gene: PLEC (plectin; minus strand). Cytogenetic location: 8q24.3.
Variant type: single nucleotide variant.
Coding change: c.3443C>T on transcript NM_201384.3 (MANE Select); coding-DNA position 3443, C replaced by T.
Protein change: p.Ala1148Val; replaces alanine 1148 with valine.
Molecular consequence: missense variant.
Genome position (GRCh38, 1-based): chr8:143,927,723, G>A on the plus strand (C>T on the coding strand, the complement: PLEC is on the minus strand). VCF-style: chr8-143927723-G-A. GRCh37 (hg19) VCF-style: chr8-145001891-G-A.
Other names: c.3524C>T, p.Ala1175Val (NM_000445.5, NM_001410941.1); c.3401C>T, p.Ala1134Val (NM_201378.4); c.3377C>T, p.Ala1126Val (NM_201379.3); c.3854C>T, p.Ala1285Val (NM_201380.4); c.3347C>T, p.Ala1116Val (NM_201381.3); c.3443C>T, p.Ala1148Val (NM_201382.4); c.3455C>T, p.Ala1152Val (NM_201383.3); short protein forms A1116V, A1134V, A1126V, A1152V, A1285V, A1148V, A1175V.
Identifiers: ClinVar variation 2938889 (VCV002938889.3), dbSNP rs2538308151, ClinGen allele CA372566062.

ClinVar aggregate classification (germline): Uncertain significance (1 of 4 stars; one submission).

Conditions:
Epidermolysis bullosa simplex with nail dystrophy (EBS5D). Identifiers: MedGen C4225309, MONDO:0014661, OMIM 616487.
Epidermolysis bullosa simplex, Ogna type (EBS5A). Also called: Pidermolysis bullosa simplex 5A, Ogna type; EPIDERMOLYSIS BULLOSA SIMPLEX 5A, OGNA TYPE. Identifiers: Orphanet 79401, MedGen C0432317, MONDO:0007555, OMIM 131950.
Autosomal recessive limb-girdle muscular dystrophy type 2Q (LGMDR17). Also called: MUSCULAR DYSTROPHY, LIMB-GIRDLE, AUTOSOMAL RECESSIVE 17. Identifiers: Orphanet 254361, MedGen C3150989, MONDO:0013390, OMIM 613723.
Epidermolysis bullosa simplex 5B, with muscular dystrophy (EBS5B). Also called: EPIDERMOLYSIS BULLOSA SIMPLEX AND LIMB-GIRDLE MUSCULAR DYSTROPHY; Epidermolysis bullosa simplex with muscular dystrophy. Identifiers: Orphanet 257, MedGen C2931072, MONDO:0009181, OMIM 226670.
Epidermolysis bullosa simplex 5C, with pyloric atresia (EBS5C). Also called: PLEC-Related Epidermolysis Bullosa with Pyloric Atresia; Epidermolysis bullosa simplex with pyloric atresia; PLEC1-Related Epidermolysis Bullosa with Pyloric Atresia. Identifiers: Orphanet 158684, MedGen C2677349, MONDO:0012807, OMIM 612138.

gnomAD v4.1: 2 of 1,593,638 alleles (0.00013%); highest among the groups gnomAD compares: South Asian, 0.0011%; no homozygotes.

Submission:

Labcorp Genetics (formerly Invitae), Labcorp
Classification: Uncertain significance for Autosomal recessive limb-girdle muscular dystrophy type 2Q; Epidermolysis bullosa simplex, Ogna type; Epidermolysis bullosa simplex with nail dystrophy; Epidermolysis bullosa simplex 5C, with pyloric atresia; Epidermolysis bullosa simplex 5B, with muscular dystrophy. Last evaluated: 2025-06-25. Review status: criteria provided, single submitter. Criteria: Invitae Variant Classification Sherloc (09022015). Collection method: clinical testing. Allele origin: germline.
Comment: This sequence change replaces alanine, which is neutral and non-polar, with valine, which is neutral and non-polar, at codon 1175 of the PLEC protein (p.Ala1175Val). This variant is not present in population databases (gnomAD no frequency). This variant has not been reported in the literature in individuals affected with PLEC-related conditions. ClinVar contains an entry for this variant (Variation ID: 2938889). Invitae Evidence Modeling of protein sequence and biophysical properties (such as structural, functional, and spatial information, amino acid conservation, physicochemical variation, residue mobility, and thermodynamic stability) indicates that this missense variant is not expected to disrupt PLEC protein function with a negative predictive value of 80%. In summary, the available evidence is currently insufficient to determine the role of this variant in disease. Therefore, it has been classified as a Variant of Uncertain Significance.